The following is an entry in ClinVar:

NM_000297.4(PKD2):c.1011G>C (p.Leu337Phe)

Gene: PKD2 (polycystin 2, transient receptor potential cation channel; plus strand). Cytogenetic location: 4q22.1.
Variant type: single nucleotide variant.
Coding change: c.1011G>C on transcript NM_000297.4 (MANE Select); coding-DNA position 1011, G replaced by C.
Protein change: p.Leu337Phe; replaces leucine 337 with phenylalanine.
Molecular consequence: missense variant. On other transcripts: non-coding transcript variant (1).
Genome position (GRCh38, 1-based): chr4:88,038,418, G>C. VCF-style: chr4-88038418-G-C. GRCh37 (hg19) VCF-style: chr4-88959570-G-C.
Other names: short protein forms L337F.
Identifiers: ClinVar variation 3640080 (VCV003640080.2).
Genomic context (GRCh38, chr4:88,038,418, plus strand): 5'-GGTTCCACGAATACGGCAACTCCGAGTCAGAAATGGATCCTGCTCTATCCCCCAGGACTT[G>C]AGAGATGAAATTAAAGAGTGCTATGATGTCTACTCTGTCAGTAGTGAAGATAGGGCTCCC-3'
Protein context (NP_000288.1, residues 327-347): RNGSCSIPQD[Leu337Phe]RDEIKECYDV

ClinVar aggregate classification (germline): Uncertain significance (1 of 4 stars; one submission).

Conditions:
Autosomal dominant polycystic kidney disease. Identifiers: Orphanet 730, MedGen C0085413, MONDO:0004691.

gnomAD v4.1: 1 of 1,613,630 alleles (0.000062%); highest among the groups gnomAD compares: Non-Finnish European, 0.000085%; no homozygotes.

Submission:

Labcorp Genetics (formerly Invitae), Labcorp
Classification: Uncertain significance for Autosomal dominant polycystic kidney disease. Last evaluated: 2024-02-17. Review status: criteria provided, single submitter. Criteria: Invitae Variant Classification Sherloc (09022015). Collection method: clinical testing. Allele origin: germline.
Comment: This sequence change replaces leucine, which is neutral and non-polar, with phenylalanine, which is neutral and non-polar, at codon 337 of the PKD2 protein (p.Leu337Phe). This variant is not present in population databases (gnomAD no frequency). This variant has not been reported in the literature in individuals affected with PKD2-related conditions. Advanced modeling of protein sequence and biophysical properties (such as structural, functional, and spatial information, amino acid conservation, physicochemical variation, residue mobility, and thermodynamic stability) performed at Invitae indicates that this missense variant is not expected to disrupt PKD2 protein function with a negative predictive value of 80%. In summary, the available evidence is currently insufficient to determine the role of this variant in disease. Therefore, it has been classified as a Variant of Uncertain Significance.